The following is an entry in ClinVar:

ClinVar aggregate classification (germline): Uncertain significance (1 of 4 stars; one submission).

Conditions:
Cardiovascular phenotype. Identifiers: MedGen CN230736.

Submission:

Ambry Genetics
Classification: Uncertain significance for Cardiovascular phenotype. Last evaluated: 2024-10-21. Review status: criteria provided, single submitter. Criteria: Ambry Variant Classification Scheme 2023. Collection method: clinical testing. Allele origin: germline.
Comment: The p.G45C variant (also known as c.133G>T), located in coding exon 1 of the GATAD1 gene, results from a G to T substitution at nucleotide position 133. The glycine at codon 45 is replaced by cysteine, an amino acid with highly dissimilar properties. This amino acid position is conserved. In addition, the in silico prediction for this alteration is inconclusive. Based on the available evidence, the clinical significance of this variant remains unclear.

NM_021167.5(GATAD1):c.133G>T (p.Gly45Cys)

Genes: GATAD1 (GATA zinc finger domain containing 1; plus strand), LOC129998793 (ATAC-STARR-seq lymphoblastoid silent region 18371; plus strand). Cytogenetic location: 7q21.2.
Variant type: single nucleotide variant.
Coding change: c.133G>T on transcript NM_021167.5 (MANE Select); coding-DNA position 133, G replaced by T.
Protein change: p.Gly45Cys; replaces glycine 45 with cysteine.
Molecular consequence: missense variant. On other transcripts: non-coding transcript variant (1).
Genome position (GRCh38, 1-based): chr7:92,447,862, G>T. VCF-style: chr7-92447862-G-T. GRCh37 (hg19) VCF-style: chr7-92077176-G-T.
Other names: short protein forms G45C.
Identifiers: ClinVar variation 3519085 (VCV003519085.1).